The following is an entry in ClinVar:

NM_032447.5(FBN3):c.3992G>A (p.Arg1331Gln)

Gene: FBN3 (fibrillin 3; minus strand). Cytogenetic location: 19p13.2.
Variant type: single nucleotide variant.
Coding change: c.3992G>A on transcript NM_032447.5 (MANE Select); coding-DNA position 3992, G replaced by A.
Protein change: p.Arg1331Gln; replaces arginine 1331 with glutamine.
Molecular consequence: missense variant.
Genome position (GRCh38, 1-based): chr19:8,111,740, C>T on the plus strand (G>A on the coding strand, the complement: FBN3 is on the minus strand). VCF-style: chr19-8111740-C-T. GRCh37 (hg19) VCF-style: chr19-8176624-C-T.
Other names: c.3992G>A, p.Arg1331Gln (NM_001321431.2); short protein forms R1331Q.
Identifiers: ClinVar variation 4694850 (VCV004694850.1).
Genomic context (GRCh38, chr19:8,111,740, plus strand): 5'-TGGCGGCAGGTGCAGCGGTAGGAGCCAGGGACATTGAGACAGTCACCTCTTGGGCTGCAC[C>T]GGTGCTCCTGGGAGACGCATTCATCCAGGTCTGCAGGAGATGGAGCCCAGACCCCCCACC-3'
Protein context (NP_115823.3, residues 1321-1341): DLDECVSQEH[Arg1331Gln]CSPRGDCLNV

ClinVar aggregate classification (germline): Uncertain significance (1 of 4 stars; one submission).

Submission:

Labcorp Genetics (formerly Invitae), Labcorp
Classification: Uncertain significance. Last evaluated: 2025-08-21. Review status: criteria provided, single submitter. Criteria: Invitae Variant Classification Sherloc (09022015). Collection method: clinical testing. Allele origin: germline.
Comment: This sequence change replaces arginine, which is basic and polar, with glutamine, which is neutral and polar, at codon 1331 of the FBN3 protein (p.Arg1331Gln). This variant is present in population databases (rs143347714, gnomAD 0.004%). This variant has not been reported in the literature in individuals affected with FBN3-related conditions. Invitae Evidence Modeling of protein sequence and biophysical properties (such as structural, functional, and spatial information, amino acid conservation, physicochemical variation, residue mobility, and thermodynamic stability) indicates that this missense variant is not expected to disrupt FBN3 protein function with a negative predictive value of 80%. In summary, the available evidence is currently insufficient to determine the role of this variant in disease. Therefore, it has been classified as a Variant of Uncertain Significance.